The following is an entry in ClinVar:

NM_001379500.1(COL18A1):c.2961_2978dup (p.985GPP[6])

Genes: COL18A1 (collagen type XVIII alpha 1 chain; plus strand), SLC19A1 (solute carrier family 19 member 1; minus strand). Cytogenetic location: 21q22.3.
Variant type: Duplication.
Coding change: c.2961_2978dup on transcript NM_001379500.1 (MANE Select); coding-DNA positions 2961 to 2978, 18 bases duplicated (CGGCCCCCCAGGCCCCCC).
Protein change: p.985GPP[6].
Molecular consequence: inframe insertion.
Genome position (GRCh38, 1-based): chr21:45,505,226-45,505,243, CGGCCCCCCAGGCCCCCC duplicated; duplicating any 18 consecutive bases within chr21:45,505,224-45,505,243 gives the same sequence; the c. name uses the placement nearest the transcript's 3' end. VCF-style (leftmost placement, unchanged base first): chr21-45505223-T-TCCCGGCCCCCCAGGCCCC. GRCh37 (hg19) VCF-style: chr21-46925137-T-TCCCGGCCCCCCAGGCCCC.
Other names: c.3492_3509dup, p.1162GPP[6] (NM_030582.4); c.4197_4214dup, p.1397GPP[6] (NM_130444.3).
Identifiers: ClinVar variation 1402565 (VCV001402565.6), dbSNP rs1568942285, ClinGen allele CA638497270.

ClinVar aggregate classification (germline): Uncertain significance (1 of 4 stars; one submission).

Submission:

Labcorp Genetics (formerly Invitae), Labcorp
Classification: Uncertain significance. Last evaluated: 2024-10-23. Review status: criteria provided, single submitter. Criteria: Invitae Variant Classification Sherloc (09022015). Collection method: clinical testing. Allele origin: germline.
Comment: This variant, c.2952_2969dup, results in the insertion of 6 amino acid(s) of the COL18A1 protein (p.Gly988_Pro993dup), but otherwise preserves the integrity of the reading frame. This variant is present in population databases (no rsID available, gnomAD 0.02%). This variant has not been reported in the literature in individuals affected with COL18A1-related conditions. ClinVar contains an entry for this variant (Variation ID: 1402565). Experimental studies and prediction algorithms are not available or were not evaluated, and the functional significance of this variant is currently unknown. In summary, the available evidence is currently insufficient to determine the role of this variant in disease. Therefore, it has been classified as a Variant of Uncertain Significance.